The following is an entry in ClinVar:

NM_000709.4(BCKDHA):c.375+4C>T

Gene: BCKDHA (branched chain keto acid dehydrogenase E1 subunit alpha; plus strand). Cytogenetic location: 19q13.2.
Variant type: single nucleotide variant.
Coding change: c.375+4C>T on transcript NM_000709.4 (MANE Select); 4 bases into the intron after coding-DNA position 375, C replaced by T.
Molecular consequence: intron variant.
Genome position (GRCh38, 1-based): chr19:41,411,013, C>T. VCF-style: chr19-41411013-C-T. GRCh37 (hg19) VCF-style: chr19-41916918-C-T.
Other names: c.375+4C>T (NM_001164783.2).
Identifiers: ClinVar variation 510735 (VCV000510735.5), dbSNP rs377496852, ClinGen allele CA9461099.

ClinVar aggregate classification (germline): Conflicting classifications of pathogenicity. Review status: criteria provided, conflicting classifications (1 of 4 stars). 3 submissions from 3 submitters: Uncertain significance (1); Likely benign (1). 1 of the submissions does not count toward it. Last evaluated 2022-03-10.

Conditions:
BCKDHA-related disorder. Also called: BCKDHA-related condition.
Maple syrup urine disease (MSUD). Identifiers: Orphanet 511, MedGen C0024776, MeSH D008375, MONDO:0009563. Disease mechanism: loss of function.

Allele frequency attached by ClinVar (database versions not stated): ExAC 0.00007; gnomAD exomes 0.00009 and 0.00011; ESP Exome Variant Server 0.00015; gnomAD 0.00023 and 0.00025; TOPMed 0.00032.
gnomAD v4.1: 202 of 1,613,760 alleles (0.013%); highest among the groups gnomAD compares: African/African-American, 0.067%; no homozygotes.

Submissions (3):

Labcorp Genetics (formerly Invitae), Labcorp
Classification: Uncertain significance for Maple syrup urine disease. Last evaluated: 2022-03-10. Review status: criteria provided, single submitter. Criteria: Invitae Variant Classification Sherloc (09022015). Collection method: clinical testing. Allele origin: germline.
Comment: This sequence change falls in intron 3 of the BCKDHA gene. It does not directly change the encoded amino acid sequence of the BCKDHA protein. It affects a nucleotide within the consensus splice site. This variant is present in population databases (rs377496852, gnomAD 0.07%). This variant has been observed in individual(s) with maple syrup urine disease (PMID: 18378174). ClinVar contains an entry for this variant (Variation ID: 510735). Variants that disrupt the consensus splice site are a relatively common cause of aberrant splicing (PMID: 17576681, 9536098). Algorithms developed to predict the effect of sequence changes on RNA splicing suggest that this variant is not likely to affect RNA splicing. In summary, the available evidence is currently insufficient to determine the role of this variant in disease. Therefore, it has been classified as a Variant of Uncertain Significance.

GeneDx
Classification: Likely benign. Last evaluated: 2018-02-02. Review status: criteria provided, single submitter. Criteria: GeneDx Variant Classification (06012015). Collection method: clinical testing. Allele origin: germline. Affected: yes.
Comment: This variant is considered likely benign or benign based on one or more of the following criteria: it is a conservative change, it occurs at a poorly conserved position in the protein, it is predicted to be benign by multiple in silico algorithms, and/or has population frequency not consistent with disease.

PreventionGenetics, part of Exact Sciences
Classification: Likely benign for BCKDHA-related condition. Last evaluated: 2021-12-21. Review status: no assertion criteria provided. Collection method: clinical testing. Allele origin: germline. Not counted in ClinVar's aggregate classification.
Comment: This variant is classified as likely benign based on ACMG/AMP sequence variant interpretation guidelines (Richards et al. 2015 PMID: 25741868, with internal and published modifications).

Literature cited by the submitters: PubMed 18378174 (cited by Labcorp Genetics (formerly Invitae), Labcorp); PubMed 17576681 (cited by Labcorp Genetics (formerly Invitae), Labcorp); PubMed 9536098 (cited by Labcorp Genetics (formerly Invitae), Labcorp).